The following is an entry in ClinVar:

ClinVar aggregate classification (germline): Uncertain significance (1 of 4 stars; one submission).

Conditions:
TAF1-related disorder. Also called: TAF1-related condition.

gnomAD v4.1: 3 of 1,211,487 alleles (0.00025%); highest among the groups gnomAD compares: Non-Finnish European, 0.00034%; no homozygotes.

Submission:

PreventionGenetics, part of Exact Sciences
Classification: Uncertain significance for TAF1-related condition. Last evaluated: 2026-07-13. Review status: criteria provided, single submitter. Criteria: ACMG Guidelines, 2015. Collection method: clinical testing. Allele origin: germline.
Comment: The TAF1 c.2300A>G variant is predicted to result in the amino acid substitution p.Asn767Ser. To our knowledge, this variant has not been reported in the literature. This variant is reported in 0.0012% of alleles in individuals of European (Non-Finnish) descent in gnomAD. At this time, the clinical significance of this variant is uncertain due to the absence of conclusive functional and genetic evidence.

NM_004606.5(TAF1):c.2240A>G (p.Asn747Ser)

Gene: TAF1 (TATA-box binding protein associated factor 1; plus strand). Cytogenetic location: Xq13.1.
Variant type: single nucleotide variant.
Coding change: c.2240A>G on transcript NM_004606.5 (MANE Select); coding-DNA position 2240, A replaced by G.
Protein change: p.Asn747Ser; replaces asparagine 747 with serine.
Molecular consequence: missense variant. On other transcripts: non-coding transcript variant (9).
Genome position (GRCh38, 1-based): chrX:71,387,274, A>G. VCF-style: chrX-71387274-A-G. GRCh37 (hg19) VCF-style: chrX-70607124-A-G.
Other names: c.2240A>G, p.Asn747Ser (NM_001286074.2, NM_001440852.1, NM_001440853.1); c.2177A>G, p.Asn726Ser (NM_001440854.1, NM_138923.4); short protein forms N726S, N747S.
Identifiers: ClinVar variation 4997089 (VCV004997089.1).
Genomic context (GRCh38, chrX:71,387,274, plus strand): 5'-TCCTAGGGCTACTCTGTATATAATTTTTGTGTTTTTACTTTTGTTAGGCATTTGAGAACA[A>G]CCTTTTTCGTGCTCCAATTTATCTTCATAAGATGCCAGAAACTGATTTCTTGATCATTCG-3'
Protein context (NP_004597.3, residues 737-757): PGQLLQAFEN[Asn747Ser]LFRAPIYLHK